The following is an entry in ClinVar:

NM_024306.5(FA2H):c.570C>A (p.Thr190=)

Gene: FA2H (fatty acid 2-hydroxylase; minus strand). Cytogenetic location: 16q23.1.
Variant type: single nucleotide variant.
Coding change: c.570C>A on transcript NM_024306.5 (MANE Select); coding-DNA position 570, C replaced by A.
Protein change: p.Thr190=; no amino-acid change (threonine 190 retained).
Molecular consequence: synonymous variant.
Genome position (GRCh38, 1-based): chr16:74,726,268, G>T on the plus strand (C>A on the coding strand, the complement: FA2H is on the minus strand). VCF-style: chr16-74726268-G-T. GRCh37 (hg19) VCF-style: chr16-74760166-G-T.
Other names: p.Thr190=.
Identifiers: ClinVar variation 320496 (VCV000320496.79), dbSNP rs138892784, ClinGen allele CA8170484.

ClinVar aggregate classification (germline): Conflicting classifications of pathogenicity. Review status: criteria provided, conflicting classifications (1 of 4 stars). 6 submissions from 6 submitters: Uncertain significance (1); Benign (1); Likely benign (4). Last evaluated 2026-01-17.

Conditions:
Spastic paraplegia. Identifiers: MedGen C0037772, HP:0001258.
Hereditary spastic paraplegia 35. Also called: SPASTIC PARAPLEGIA 35, AUTOSOMAL RECESSIVE, WITH OR WITHOUT NEURODEGENERATION; LEUKODYSTROPHY, DYSMYELINATING, AND SPASTIC PARAPARESIS WITH OR WITHOUT DYSTONIA; Spastic paraplegia 35, autosomal recessive; Spastic paraplegia 35. Identifiers: Orphanet 171629, MedGen C3496228, MONDO:0012866, OMIM 612319.

Allele frequency attached by ClinVar (database versions not stated): 1000 Genomes Project 30x 0.00047; 1000 Genomes Project 0.00060; gnomAD exomes 0.00101 and 0.00128; TOPMed 0.00104; ExAC 0.00105; ESP Exome Variant Server 0.00115; gnomAD 0.00120 and 0.00121.
gnomAD v4.1: 2,045 of 1,614,074 alleles (0.13%); highest among the groups gnomAD compares: Admixed American, 0.2%; 5 homozygotes.

Submissions (6):

Labcorp Genetics (formerly Invitae), Labcorp
Classification: Likely benign for Spastic paraplegia. Last evaluated: 2026-01-17. Review status: criteria provided, single submitter. Criteria: Invitae Variant Classification Sherloc (09022015). Collection method: clinical testing. Allele origin: germline.

CeGaT Center for Human Genetics Tuebingen
Classification: Likely benign. Last evaluated: 2025-10-01. Review status: criteria provided, single submitter. Criteria: CeGaT Center For Human Genetics Tuebingen Variant Classification Criteria Version 2. Collection method: clinical testing. Allele origin: germline. Affected: yes. Observed: 6 variant alleles.
Comment: FA2H: BP4, BP7

Blueprint Genetics
Classification: Likely benign. Last evaluated: 2024-11-22. Review status: criteria provided, single submitter. Criteria: ACMG Guidelines, 2015. Collection method: clinical testing. Allele origin: germline.

Mayo Clinic Laboratories, Mayo Clinic
Classification: Benign. Last evaluated: 2023-12-04. Review status: criteria provided, single submitter. Criteria: ACMG Guidelines, 2015. Collection method: clinical testing. Allele origin: germline. Observed: 7 variant alleles.
Comment: BS1, BS2, BP4, BP7

GeneDx
Classification: Likely benign. Last evaluated: 2020-09-09. Review status: criteria provided, single submitter. Criteria: GeneDx Variant Classification Process June 2021. Collection method: clinical testing. Allele origin: germline. Affected: yes.

Illumina Laboratory Services, Illumina
Classification: Uncertain significance for Hereditary spastic paraplegia 35. Last evaluated: 2018-01-12. Review status: criteria provided, single submitter. Criteria: ICSL Variant Classification Criteria 13 December 2019. Collection method: clinical testing. Allele origin: germline.